The following is an entry in ClinVar:

ClinVar aggregate classification (germline): Uncertain significance (1 of 4 stars; one submission).

Conditions:
Hereditary cancer-predisposing syndrome. Also called: Hereditary Cancer Syndrome; Neoplastic Syndromes, Hereditary; Tumor predisposition; Hereditary neoplastic syndrome. Identifiers: Orphanet 140162, MedGen C0027672, MeSH D009386, MONDO:0015356.
Cardiovascular phenotype. Identifiers: MedGen CN230736.

Submission:

Ambry Genetics
Classification: Uncertain significance for Cardiovascular phenotype; Hereditary cancer-predisposing syndrome. Last evaluated: 2016-07-20. Review status: criteria provided, single submitter. Criteria: Ambry Variant Classification Scheme 2023. Collection method: clinical testing. Allele origin: germline.
Comment: The p.T2736I variant (also known as c.8207C>T), located in coding exon 56 of the NF1 gene, results from a C to T substitution at nucleotide position 8207. The threonine at codon 2736 is replaced by isoleucine, an amino acid with similar properties. This variant was not reported in population based cohorts in the following databases: Database of Single Nucleotide Polymorphisms (dbSNP), NHLBI Exome Sequencing Project (ESP), and 1000 Genomes Project. In the ESP, this variant was not observed in 6503 samples (13006 alleles) with coverage at this position. To date, this alteration has been detected with an allele frequency of approximately 0.001% (greater than 175000 alleles tested) in our clinical cohort. This amino acid position is highly conserved in available vertebrate species. In addition, this alteration is predicted to be tolerated by in silico analysis. Since supporting evidence is limited at this time, the clinical significance of this alteration remains unclear.

NM_001042492.3(NF1):c.8270C>T (p.Thr2757Ile)

Gene: NF1 (neurofibromin 1; plus strand). Cytogenetic location: 17q11.2.
Variant type: single nucleotide variant.
Coding change: c.8270C>T on transcript NM_001042492.3 (MANE Select); coding-DNA position 8270, C replaced by T.
Protein change: p.Thr2757Ile; replaces threonine 2757 with isoleucine.
Molecular consequence: missense variant.
Genome position (GRCh38, 1-based): chr17:31,360,596, C>T. VCF-style: chr17-31360596-C-T. GRCh37 (hg19) VCF-style: chr17-29687614-C-T.
Other names: c.8207C>T, p.Thr2736Ile (NM_000267.4); short protein forms T2736I, T2757I.
Identifiers: ClinVar variation 480143 (VCV000480143.5), dbSNP rs1555537244, ClinGen allele CA399204765.